The following is an entry in ClinVar:

ClinVar aggregate classification (germline): Uncertain significance. Review status: criteria provided, single submitter (1 of 4 stars). 3 submissions from 3 submitters: Uncertain significance (1). 2 of the submissions do not count toward it. Last evaluated 2025-07-30.

Conditions:
Polyglandular autoimmune syndrome, type 1 (APS1). Also called: HYPOADRENOCORTICISM WITH HYPOPARATHYROIDISM AND SUPERFICIAL MONILIASIS; Autoimmune polyendocrinopathy syndrome , type I, with or without reversible metaphyseal dysplasia; AUTOIMMUNE POLYENDOCRINE SYNDROME, TYPE I, WITH OR WITHOUT REVERSIBLE METAPHYSEAL DYSPLASIA; APS I; Autoimmune polyendocrinopathy syndrome, type I; Whitaker syndrome. Identifiers: Orphanet 3453, MedGen C0085859, MONDO:0009411, OMIM 240300.

Submissions (3):

Labcorp Genetics (formerly Invitae), Labcorp
Classification: Uncertain significance for Polyglandular autoimmune syndrome, type 1. Last evaluated: 2025-07-30. Review status: criteria provided, single submitter. Criteria: Invitae Variant Classification Sherloc (09022015). Collection method: clinical testing. Allele origin: germline.
Comment: This variant, c.1065_1079del, results in the deletion of 5 amino acid(s) of the AIRE protein (p.Arg356_Pro360del), but otherwise preserves the integrity of the reading frame. This variant is not present in population databases (gnomAD no frequency). This variant has not been reported in the literature in individuals affected with AIRE-related conditions. ClinVar contains an entry for this variant (Variation ID: 550748). Experimental studies and prediction algorithms are not available or were not evaluated, and the functional significance of this variant is currently unknown. In summary, the available evidence is currently insufficient to determine the role of this variant in disease. Therefore, it has been classified as a Variant of Uncertain Significance.

Natera, Inc.
Classification: Uncertain significance for Polyglandular autoimmune syndrome type 1. Last evaluated: 2025-03-10. Review status: no assertion criteria provided. Collection method: clinical testing. Allele origin: germline. Not counted in ClinVar's aggregate classification.

Counsyl
Classification: Uncertain significance for Polyglandular autoimmune syndrome, type 1. Last evaluated: 2017-02-10. Review status: no assertion criteria provided. Collection method: clinical testing. Allele origin: unknown. Not counted in ClinVar's aggregate classification.

NM_000383.4(AIRE):c.1065_1079del (p.Arg356_Pro360del)

Gene: AIRE (autoimmune regulator; plus strand). Cytogenetic location: 21q22.3.
Variant type: Deletion.
Coding change: c.1065_1079del on transcript NM_000383.4 (MANE Select); coding-DNA positions 1065 to 1079, 15 bases deleted (CCGGCCCCAGGAGCC).
Protein change: p.Arg356_Pro360del.
Molecular consequence: inframe deletion.
Genome position (GRCh38, 1-based): chr21:44,292,371-44,292,385, CCGGCCCCAGGAGCC deleted; deleting any 15 consecutive bases within chr21:44,292,364-44,292,385 gives the same sequence; the c. name uses the placement nearest the transcript's 3' end. VCF-style (leftmost placement, unchanged base first): chr21-44292363-GAGGAGCCCCGGCCCC-G. GRCh37 (hg19) VCF-style: chr21-45712246-GAGGAGCCCCGGCCCC-G.
Other names: c.1065_1079del15 (NM_000383.3); c.1065_1079delCCGGCCCCAGGAGCC (NM_000383.3); c.1065_1079del (NM_000383.3).
Identifiers: ClinVar variation 550748 (VCV000550748.8), dbSNP rs1555872876, ClinGen allele CA658824361.